The following is an entry in ClinVar:

ClinVar aggregate classification (germline): Uncertain significance (1 of 4 stars; one submission).

Submission:

CeGaT Center for Human Genetics Tuebingen
Classification: Uncertain significance. Last evaluated: 2025-10-01. Review status: criteria provided, single submitter. Criteria: CeGaT Center For Human Genetics Tuebingen Variant Classification Criteria Version 2. Collection method: clinical testing. Allele origin: germline. Affected: yes. Observed: 1 variant allele.
Comment: CBL: PM2, BP4

NM_005188.4(CBL):c.1941+4A>T

Gene: CBL (Cbl proto-oncogene; plus strand). Cytogenetic location: 11q23.3.
Variant type: single nucleotide variant.
Coding change: c.1941+4A>T on transcript NM_005188.4 (MANE Select); 4 bases into the intron after coding-DNA position 1941, A replaced by T.
Molecular consequence: intron variant.
Genome position (GRCh38, 1-based): chr11:119,285,570, A>T. VCF-style: chr11-119285570-A-T. GRCh37 (hg19) VCF-style: chr11-119156280-A-T.
Identifiers: ClinVar variation 4535121 (VCV004535121.6).